The following is an entry in ClinVar:

NM_001042492.3(NF1):c.2027_2028delinsA (p.Thr676fs)

Gene: NF1 (neurofibromin 1; plus strand). Cytogenetic location: 17q11.2.
Variant type: Indel.
Coding change: c.2027_2028delinsA on transcript NM_001042492.3 (MANE Select); coding-DNA positions 2027 to 2028, CC replaced by A.
Protein change: p.Thr676fs; shifts the reading frame from threonine 676.
Molecular consequence: frameshift variant.
Genome position (GRCh38, 1-based): chr17:31,226,460-31,226,461, CC replaced by A. VCF-style: chr17-31226460-CC-A. GRCh37 (hg19) VCF-style: chr17-29553478-CC-A.
Other names: c.2027_2028delinsA, p.Thr676fs (NM_000267.4); short protein forms T676fs.
Identifiers: ClinVar variation 4710346 (VCV004710346.1).
Genomic context (GRCh38, chr17:31,226,460, plus strand): 5'-GTTGCAAATATATGTCTTCCACCCTTGACTCTCAGGATAGTGCAGCAGGATGCAGCGGAA[CC>A]CCCCCGATTTGCCGACAAGCCCAGACCAAACTAGAAGTGGCCCTGTACATGTTTCTGTGG-3'

ClinVar aggregate classification (germline): Pathogenic (1 of 4 stars; one submission).

Conditions:
Neurofibromatosis, type 1 (NF1). Also called: VON RECKLINGHAUSEN DISEASE; Peripheral type neurofibromatosis; NEUROFIBROMATOSIS, TYPE I, SOMATIC; Neurofibromatosis, type I. Identifiers: Orphanet 636, MedGen C0027831, MONDO:0018975, OMIM 162200. Disease mechanism: loss of function.

Submission:

Labcorp Genetics (formerly Invitae), Labcorp
Classification: Pathogenic for Neurofibromatosis, type 1. Last evaluated: 2025-10-13. Review status: criteria provided, single submitter. Criteria: Invitae Variant Classification Sherloc (09022015). Collection method: clinical testing. Allele origin: germline.
Comment: This sequence change creates a premature translational stop signal (p.Thr676Asnfs*12) in the NF1 gene. It is expected to result in an absent or disrupted protein product. Loss-of-function variants in NF1 are known to be pathogenic (PMID: 10712197, 23913538). Information on the frequency of this variant in the gnomAD database is not available, as this variant may be reported differently in the database. This premature translational stop signal has been observed in individual(s) with neurofibromatosis type 1 (PMID: 26478990). For these reasons, this variant has been classified as Pathogenic.

Literature cited by the submitters: PubMed 10712197; PubMed 23913538; PubMed 26478990.